The following is an entry in ClinVar:

ClinVar aggregate classification (germline): Uncertain significance. Review status: criteria provided, multiple submitters, no conflicts (2 of 4 stars). 2 submissions from 2 submitters: Uncertain significance (2). Last evaluated 2026-04-05.

Conditions:
Inborn genetic diseases. Identifiers: MedGen C0950123, MeSH D030342.
Fanconi anemia (FA). Also called: Fanconi's anemia. Identifiers: Orphanet 84, MedGen C0015625, MeSH D005199, MONDO:0019391.

Submissions (2):

Ambry Genetics
Classification: Uncertain significance for Inborn genetic diseases. Last evaluated: 2026-04-05. Review status: criteria provided, single submitter. Criteria: Ambry Variant Classification Scheme 2023. Collection method: clinical testing. Allele origin: germline.
Comment: The p.S250G variant (also known as c.748A>G), located in coding exon 3 of the FANCM gene, results from an A to G substitution at nucleotide position 748. The serine at codon 250 is replaced by glycine, an amino acid with similar properties. This amino acid position is conserved. In addition, this alteration is predicted to be tolerated by in silico analysis. Based on the available evidence, the clinical significance of this variant remains unclear.

Labcorp Genetics (formerly Invitae), Labcorp
Classification: Uncertain significance for Fanconi anemia. Last evaluated: 2024-02-12. Review status: criteria provided, single submitter. Criteria: Invitae Variant Classification Sherloc (09022015). Collection method: clinical testing. Allele origin: germline.
Comment: This sequence change replaces serine, which is neutral and polar, with glycine, which is neutral and non-polar, at codon 250 of the FANCM protein (p.Ser250Gly). This variant is not present in population databases (gnomAD no frequency). This variant has not been reported in the literature in individuals affected with FANCM-related conditions. ClinVar contains an entry for this variant (Variation ID: 1370831). An algorithm developed to predict the effect of missense changes on protein structure and function (PolyPhen-2) suggests that this variant is likely to be tolerated. In summary, the available evidence is currently insufficient to determine the role of this variant in disease. Therefore, it has been classified as a Variant of Uncertain Significance.

NM_020937.4(FANCM):c.748A>G (p.Ser250Gly)

Gene: FANCM (FA complementation group M; plus strand). Cytogenetic location: 14q21.2.
Variant type: single nucleotide variant.
Coding change: c.748A>G on transcript NM_020937.4 (MANE Select); coding-DNA position 748, A replaced by G.
Protein change: p.Ser250Gly; replaces serine 250 with glycine.
Molecular consequence: missense variant. On other transcripts: intron variant (1).
Genome position (GRCh38, 1-based): chr14:45,140,698, A>G. VCF-style: chr14-45140698-A-G. GRCh37 (hg19) VCF-style: chr14-45609901-A-G.
Other names: c.748A>G, p.Ser250Gly (NM_001308134.2); c.681+3457A>G (NM_001308133.2); c.748A>G (NM_020937.2); short protein forms S250G.
Identifiers: ClinVar variation 1370831 (VCV001370831.9), dbSNP rs2139118486, ClinGen allele CA389589169.
Genomic context (GRCh38, chr14:45,140,698, plus strand): 5'-AGAGAACTAGTCAAATATACAAATCACTTTAGAATCTTGGCTCTAAGTGCCACACCAGGT[A>G]GTGATATAAAGGTAAGTAAAATGTTTTTCCATTTATTACAGTTAAGAAAATAAAGCTTTT-3'
Protein context (NP_065988.1, residues 240-260): RILALSATPG[Ser250Gly]DIKAVQQVIT